The following is an entry in ClinVar:

ClinVar aggregate classification (germline): Uncertain significance (1 of 4 stars; one submission).

Conditions:
Epidermolysis bullosa simplex 5B, with muscular dystrophy (EBS5B). Also called: EPIDERMOLYSIS BULLOSA SIMPLEX AND LIMB-GIRDLE MUSCULAR DYSTROPHY; Epidermolysis bullosa simplex with muscular dystrophy. Identifiers: Orphanet 257, MedGen C2931072, MONDO:0009181, OMIM 226670.
Epidermolysis bullosa simplex 5C, with pyloric atresia (EBS5C). Also called: Epidermolysis bullosa simplex with pyloric atresia; PLEC-Related Epidermolysis Bullosa with Pyloric Atresia; PLEC1-Related Epidermolysis Bullosa with Pyloric Atresia. Identifiers: Orphanet 158684, MedGen C2677349, MONDO:0012807, OMIM 612138.
Autosomal recessive limb-girdle muscular dystrophy type 2Q (LGMDR17). Also called: MUSCULAR DYSTROPHY, LIMB-GIRDLE, AUTOSOMAL RECESSIVE 17. Identifiers: Orphanet 254361, MedGen C3150989, MONDO:0013390, OMIM 613723.
Epidermolysis bullosa simplex with nail dystrophy (EBS5D). Identifiers: MedGen C4225309, MONDO:0014661, OMIM 616487.
Epidermolysis bullosa simplex, Ogna type (EBS5A). Also called: Pidermolysis bullosa simplex 5A, Ogna type; EPIDERMOLYSIS BULLOSA SIMPLEX 5A, OGNA TYPE. Identifiers: Orphanet 79401, MedGen C0432317, MONDO:0007555, OMIM 131950.

gnomAD v4.1: 1 of 1,604,786 alleles (0.000062%); highest among the groups gnomAD compares: Non-Finnish European, 0.000085%; no homozygotes.

Submission:

Labcorp Genetics (formerly Invitae), Labcorp
Classification: Uncertain significance for Autosomal recessive limb-girdle muscular dystrophy type 2Q; Epidermolysis bullosa simplex, Ogna type; Epidermolysis bullosa simplex with nail dystrophy; Epidermolysis bullosa simplex 5C, with pyloric atresia; Epidermolysis bullosa simplex 5B, with muscular dystrophy. Last evaluated: 2021-08-06. Review status: criteria provided, single submitter. Criteria: Invitae Variant Classification Sherloc (09022015). Collection method: clinical testing. Allele origin: germline.
Comment: In summary, the available evidence is currently insufficient to determine the role of this variant in disease. Therefore, it has been classified as a Variant of Uncertain Significance. Algorithms developed to predict the effect of missense changes on protein structure and function (SIFT, PolyPhen-2, Align-GVGD) all suggest that this variant is likely to be disruptive, but these predictions have not been confirmed by published functional studies and their clinical significance is uncertain. This sequence change replaces arginine with proline at codon 3799 of the PLEC protein (p.Arg3799Pro). The arginine residue is moderately conserved and there is a moderate physicochemical difference between arginine and proline. This variant is not present in population databases (ExAC no frequency). This variant has not been reported in the literature in individuals with PLEC-related conditions.

NM_201384.3(PLEC):c.11315G>C (p.Arg3772Pro)

Gene: PLEC (plectin; minus strand). Cytogenetic location: 8q24.3.
Variant type: single nucleotide variant.
Coding change: c.11315G>C on transcript NM_201384.3 (MANE Select); coding-DNA position 11315, G replaced by C.
Protein change: p.Arg3772Pro; replaces arginine 3772 with proline.
Molecular consequence: missense variant.
Genome position (GRCh38, 1-based): chr8:143,918,506, C>G on the plus strand (G>C on the coding strand, the complement: PLEC is on the minus strand). VCF-style: chr8-143918506-C-G. GRCh37 (hg19) VCF-style: chr8-144992674-C-G.
Other names: c.11315G>C, p.Arg3772Pro (NM_201382.4); c.11327G>C, p.Arg3776Pro (NM_201383.3); c.11396G>C, p.Arg3799Pro (NM_000445.5); c.11273G>C, p.Arg3758Pro (NM_201378.4); c.11249G>C, p.Arg3750Pro (NM_201379.3); c.11726G>C, p.Arg3909Pro (NM_201380.4); c.11219G>C, p.Arg3740Pro (NM_201381.3); short protein forms R3758P, R3772P, R3740P, R3750P, R3909P, R3776P, R3799P.
Identifiers: ClinVar variation 1039529 (VCV001039529.9), dbSNP rs373965625, ClinGen allele CA372491433.